The following is an entry in ClinVar:

NM_177438.3(DICER1):c.3345dup (p.Ala1116fs)

Gene: DICER1 (dicer 1, ribonuclease III; minus strand). Cytogenetic location: 14q32.13.
Variant type: Duplication.
Coding change: c.3345dup on transcript NM_177438.3 (MANE Select); coding-DNA position 3345, one base duplicated (A; older notation c.3345dupA).
Protein change: p.Ala1116fs; shifts the reading frame from alanine 1116.
Molecular consequence: frameshift variant.
Genome position (GRCh38, 1-based): chr14:95,104,051, T duplicated on the plus strand (A on the coding strand, the reverse complement: DICER1 is on the minus strand). VCF-style (leftmost placement, unchanged base first): chr14-95104050-C-CT. GRCh37 (hg19) VCF-style: chr14-95570387-C-CT.
Other names: c.3345dupA (NM_177438.2); c.3345dup, p.Ala1116fs (NM_001195573.1, NM_001271282.3, NM_001291628.2 and 1 more transcripts); short protein forms A1116fs.
Identifiers: ClinVar variation 429145 (VCV000429145.11), dbSNP rs1131691215, ClinGen allele CA645369619.
Genomic context (GRCh38, chr14:95,104,050, plus strand): 5'-CTTGATGTGCAGCATTTTCAGGGACAATTGTGCTGTGCTTACAGTAATTATCATTTTCAG[C>CT]TGAAGAGGAGTTAGAAATTGAGATGAAAGATTTGCTGTCAATAGATTTTTTCCACCCGAA-3'

ClinVar aggregate classification (germline): Pathogenic. Review status: criteria provided, multiple submitters, no conflicts (2 of 4 stars). 2 submissions from 2 submitters: Pathogenic (2). Last evaluated 2025-05-06.

Conditions:
DICER1-related tumor predisposition. Also called: DICER1-related pleuropulmonary blastoma cancer predisposition syndrome; DICER1 syndrome. Identifiers: Orphanet 284343, MedGen C3839822, MONDO:0100216.
Hereditary cancer-predisposing syndrome. Also called: Hereditary neoplastic syndrome; Tumor predisposition; Neoplastic Syndromes, Hereditary; Hereditary Cancer Syndrome. Identifiers: Orphanet 140162, MedGen C0027672, MeSH D009386, MONDO:0015356.

Submissions (2):

Ambry Genetics
Classification: Pathogenic for Hereditary cancer-predisposing syndrome. Last evaluated: 2025-05-06. Review status: criteria provided, single submitter. Criteria: Ambry Variant Classification Scheme 2023. Collection method: clinical testing. Allele origin: germline.
Comment: The c.3345dupA pathogenic mutation, located in coding exon 20 of the DICER1 gene, results from a duplication of A at nucleotide position 3345, causing a translational frameshift with a predicted alternate stop codon (p.A1116Sfs*2). This alteration is expected to result in loss of function by premature protein truncation or nonsense-mediated mRNA decay. As such, this alteration is interpreted as a disease-causing mutation.

Labcorp Genetics (formerly Invitae), Labcorp
Classification: Pathogenic for DICER1-related tumor predisposition. Last evaluated: 2023-01-01. Review status: criteria provided, single submitter. Criteria: Invitae Variant Classification Sherloc (09022015). Collection method: clinical testing. Allele origin: germline.
Comment: This sequence change creates a premature translational stop signal (p.Ala1116Serfs*2) in the DICER1 gene. It is expected to result in an absent or disrupted protein product. Loss-of-function variants in DICER1 are known to be pathogenic (PMID: 19556464, 21266384). This variant is not present in population databases (gnomAD no frequency). This variant has not been reported in the literature in individuals affected with DICER1-related conditions. ClinVar contains an entry for this variant (Variation ID: 429145). Algorithms developed to predict the effect of sequence changes on RNA splicing suggest that this variant may disrupt the consensus splice site. For these reasons, this variant has been classified as Pathogenic.

Literature cited by the submitters: PubMed 19556464 (cited by Labcorp Genetics (formerly Invitae), Labcorp); PubMed 21266384 (cited by Labcorp Genetics (formerly Invitae), Labcorp).